The following is an entry in ClinVar:

ClinVar aggregate classification (germline): Uncertain significance (1 of 4 stars; one submission).

gnomAD v4.1: 26 of 1,551,178 alleles (0.0017%); highest among the groups gnomAD compares: East Asian, 0.0049%; no homozygotes.

Submission:

Ambry Genetics
Classification: Uncertain significance. Last evaluated: 2026-07-03. Review status: criteria provided, single submitter. Criteria: Ambry Variant Classification Scheme 2023. Collection method: clinical testing. Allele origin: germline.
Comment: The c.359G>A (p.R120Q) alteration is located in exon 2 (coding exon 2) of the FBRSL1 gene. This alteration results from a G to A substitution at nucleotide position 359, causing the arginine (R) at amino acid position 120 to be replaced by a glutamine (Q). Based on data from gnomAD, the A allele has an overall frequency of 0.001% (1/152438) total alleles studied. The highest observed frequency was 0.009% (1/10900) of East Asian alleles. Based on insufficient or conflicting evidence, the clinical significance of this alteration remains unclear.

NM_001367871.1(FBRSL1):c.359G>A (p.Arg120Gln)

Gene: FBRSL1 (fibrosin like 1; plus strand). Cytogenetic location: 12q24.33.
Variant type: single nucleotide variant.
Coding change: c.359G>A on transcript NM_001367871.1 (MANE Select); coding-DNA position 359, G replaced by A.
Protein change: p.Arg120Gln; replaces arginine 120 with glutamine.
Molecular consequence: missense variant. On other transcripts: non-coding transcript variant (1).
Genome position (GRCh38, 1-based): chr12:132,508,220, G>A. VCF-style: chr12-132508220-G-A. GRCh37 (hg19) VCF-style: chr12-133084806-G-A.
Other names: c.359G>A, p.Arg120Gln (NM_001142641.2, NM_001382739.1, NM_001382740.1 and 2 more transcripts); c.62G>A, p.Arg21Gln (NM_001382742.1); short protein forms R21Q, R120Q.
Identifiers: ClinVar variation 5021650 (VCV005021650.1).